The following is an entry in ClinVar:

NM_016169.4(SUFU):c.183-66C>A

Gene: SUFU (SUFU negative regulator of hedgehog signaling; plus strand). Cytogenetic location: 10q24.32.
Variant type: single nucleotide variant.
Coding change: c.183-66C>A on transcript NM_016169.4 (MANE Select); 66 bases into the intron before coding-DNA position 183, C replaced by A.
Molecular consequence: intron variant.
Genome position (GRCh38, 1-based): chr10:102,509,103, C>A. VCF-style: chr10-102509103-C-A. GRCh37 (hg19) VCF-style: chr10-104268860-C-A.
Other names: c.183-66C>A (NM_001178133.2).
Identifiers: ClinVar variation 677759 (VCV000677759.2), dbSNP rs185072800, ClinGen allele CA15629226.
Genomic context (GRCh38, chr10:102,509,103, plus strand): 5'-GTTTAGTTACCTTTCACCCAGGTTCCTCCAGGATGGGTCCTTTAGGTTTACAAAGTAGAG[C>A]GCCTTAGCTTGACATTGTCTGATTTCCAGGCTTACACTAACACCCCTGTGTTTTGTTTTT-3'

ClinVar aggregate classification (germline): Benign. Review status: criteria provided, multiple submitters, no conflicts (2 of 4 stars). 2 submissions from 2 submitters: Benign (2). Last evaluated 2018-06-20.

Allele frequency attached by ClinVar (database versions not stated): TOPMed 0.12156; 1000 Genomes Project 30x 0.19800; 1000 Genomes Project 0.20387.
gnomAD v4.1: 198,608 of 1,609,240 alleles (12%); highest among the groups gnomAD compares: East Asian, 44%; 16,675 homozygotes.

Submissions (2):

GeneDx
Classification: Benign. Last evaluated: 2018-06-20. Review status: criteria provided, single submitter. Criteria: GeneDx Variant Classification (06012015). Collection method: clinical testing. Allele origin: germline. Affected: yes.
Comment: This variant is considered likely benign or benign based on one or more of the following criteria: it is a conservative change, it occurs at a poorly conserved position in the protein, it is predicted to be benign by multiple in silico algorithms, and/or has population frequency not consistent with disease.

Breakthrough Genomics
Classification: Benign. Review status: criteria provided, single submitter. Criteria: ACMG Guidelines, 2015. Collection method: not provided. Allele origin: germline. Inheritance: Autosomal recessive inheritance. Affected: yes.